The following is an entry in ClinVar:

ClinVar aggregate classification (germline): Pathogenic (1 of 4 stars; one submission).

Submission:

Quest Diagnostics Nichols Institute San Juan Capistrano
Classification: Pathogenic. Last evaluated: 2023-01-05. Review status: criteria provided, single submitter. Criteria: ACMG/ClinGen CNV Guidelines, 2019. Collection method: clinical testing. Allele origin: unknown.
Comment: This copy number loss of Xp22.31 contains several protein-coding genes and overlaps the Xp22.31 syndromic region, including the critical gene STS (OMIM 300747). Loss of STS and ANOS1 (OMIM 300836) together is considered a contiguous gene deletion syndrome (Berges-Raso 2017, Ma 2020, Nagai 2017, Rehm 2015), associated with both X-linked ichthyosis and Kallmann syndrome 1, respectively. There are no similar copy number losses of this region in the general populations of the Database of Genomic Variants. Thus, based on current medical literature and gene content, this copy number variant (CNV) is classified as pathogenic. References: Berges-Raso et al., Endocrinol Diabetes Metab Case Rep. 2017 Sep 28;2017:EDM170083. PMID: 30352392 Ma et al., Front Genet. 2020 Jun 24;11:596. PMID: 32670353 Nagai et al., Cytogenet Genome Res. 2017;151(1):1-4. PMID: 28253503 Rehm et al., N Engl J Med. 2015 Jun 4;372(23):2235-42. PMID: 26014595

GRCh37/hg19 Xp22.31(chrX:6591135-9498909)x0

Genes: ANOS1 (anosmin 1; minus strand), FAM9A (family with sequence similarity 9 member A; minus strand), FAM9B (family with sequence similarity 9 member B; minus strand), PNPLA4 (patatin like phospholipase domain containing 4; minus strand), PUDP (pseudouridine 5'-phosphatase; minus strand) and 5 more. Cytogenetic location: Xp22.31.
Variant type: copy number loss.
Change: copy number 0 of chrX:6,591,135-9,498,909 (2.91 Mb, GRCh37 coordinates, 1-based), cytogenetic band Xp22.31.
Identifiers: ClinVar variation 2685110 (VCV002685110.1).